The following is an entry in ClinVar:

ClinVar aggregate classification (germline): Benign (0 of 4 stars; one submission).

Conditions:
Bardet-Biedl syndrome (BBS). Identifiers: Orphanet 110, MedGen C0752166, MONDO:0015229.

Allele frequency attached by ClinVar (database versions not stated): gnomAD exomes 0.00001; ExAC 0.00002.
gnomAD v4.1: 13 of 1,613,230 alleles (0.00081%); highest among the groups gnomAD compares: East Asian, 0.0022%; no homozygotes.

Submission:

GeneReviews
Classification: Benign for Bardet-Biedl Syndrome. Last evaluated: 2009-10-13. Review status: no assertion criteria provided. Collection method: curation. Allele origin: unknown.
ClinVar note: Converted during submission from benign to Benign.

NM_033028.5(BBS4):c.91A>G (p.Ile31Val)

Gene: BBS4 (Bardet-Biedl syndrome 4; plus strand). Cytogenetic location: 15q24.1.
Variant type: single nucleotide variant.
Coding change: c.91A>G on transcript NM_033028.5 (MANE Select); coding-DNA position 91, A replaced by G.
Protein change: p.Ile31Val; replaces isoleucine 31 with valine.
Molecular consequence: missense variant. On other transcripts: 5 prime UTR variant (1), non-coding transcript variant (2).
Genome position (GRCh38, 1-based): chr15:72,709,714, A>G. VCF-style: chr15-72709714-A-G. GRCh37 (hg19) VCF-style: chr15-73002055-A-G.
Other names: c.91A/G; c.-431A>G (NM_001252678.2); c.91A>G, p.Ile31Val (NM_001320665.2); short protein forms I31V.
Identifiers: ClinVar variation 21742 (VCV000021742.3), dbSNP rs113994182, ClinGen allele CA342439.